The following is an entry in ClinVar:

ClinVar aggregate classification (germline): Uncertain significance. Review status: criteria provided, multiple submitters, no conflicts (2 of 4 stars). 2 submissions from 2 submitters: Uncertain significance (2). Last evaluated 2024-01-08.

Allele frequency attached by ClinVar (database versions not stated): gnomAD exomes 0.00001; ExAC 0.00002; TOPMed 0.00005; ESP Exome Variant Server 0.00008; gnomAD 0.00008.
gnomAD v4.1: 31 of 1,612,438 alleles (0.0019%); highest among the groups gnomAD compares: African/African-American, 0.008%; no homozygotes.

Submissions (2):

Ambry Genetics
Classification: Uncertain significance. Last evaluated: 2024-01-08. Review status: criteria provided, single submitter. Criteria: Ambry Variant Classification Scheme 2023. Collection method: clinical testing. Allele origin: germline.

Labcorp Genetics (formerly Invitae), Labcorp
Classification: Uncertain significance. Last evaluated: 2022-08-08. Review status: criteria provided, single submitter. Criteria: Invitae Variant Classification Sherloc (09022015). Collection method: clinical testing. Allele origin: germline.
Comment: This sequence change replaces arginine, which is basic and polar, with glutamine, which is neutral and polar, at codon 2688 of the FBN3 protein (p.Arg2688Gln). This variant is present in population databases (rs375603937, gnomAD 0.01%). This variant has not been reported in the literature in individuals affected with FBN3-related conditions. Algorithms developed to predict the effect of missense changes on protein structure and function output the following: SIFT: "Not Available"; PolyPhen-2: "Possibly Damaging"; Align-GVGD: "Not Available". The glutamine amino acid residue is found in multiple mammalian species, which suggests that this missense change does not adversely affect protein function. In summary, the available evidence is currently insufficient to determine the role of this variant in disease. Therefore, it has been classified as a Variant of Uncertain Significance.

NM_032447.5(FBN3):c.8063G>A (p.Arg2688Gln)

Gene: FBN3 (fibrillin 3; minus strand). Cytogenetic location: 19p13.2.
Variant type: single nucleotide variant.
Coding change: c.8063G>A on transcript NM_032447.5 (MANE Select); coding-DNA position 8063, G replaced by A.
Protein change: p.Arg2688Gln; replaces arginine 2688 with glutamine.
Molecular consequence: missense variant.
Genome position (GRCh38, 1-based): chr19:8,072,073, C>T on the plus strand (G>A on the coding strand, the complement: FBN3 is on the minus strand). VCF-style: chr19-8072073-C-T. GRCh37 (hg19) VCF-style: chr19-8136957-C-T.
Other names: c.8063G>A, p.Arg2688Gln (NM_001321431.2); c.8063G>A (NM_032447.3); short protein forms R2688Q.
Identifiers: ClinVar variation 1910754 (VCV001910754.3), dbSNP rs375603937, ClinGen allele CA9150647.